The following is an entry in ClinVar:

NM_001378615.1(CC2D2A):c.832C>T (p.Arg278Trp)

Genes: CC2D2A (coiled-coil and C2 domain containing 2A; plus strand), FBXL5 (F-box and leucine rich repeat protein 5; minus strand). Cytogenetic location: 4p15.32.
Variant type: single nucleotide variant.
Coding change: c.832C>T on transcript NM_001378615.1 (MANE Select); coding-DNA position 832, C replaced by T.
Protein change: p.Arg278Trp; replaces arginine 278 with tryptophan.
Molecular consequence: missense variant.
Genome position (GRCh38, 1-based): chr4:15,514,821, C>T. VCF-style: chr4-15514821-C-T. GRCh37 (hg19) VCF-style: chr4-15516444-C-T.
Other names: c.832C>T, p.Arg278Trp (NM_001080522.2); c.685C>T, p.Arg229Trp (NM_001378617.1); short protein forms R278W, R229W.
Identifiers: ClinVar variation 193620 (VCV000193620.14), dbSNP rs372873919, ClinGen allele CA239182.

ClinVar aggregate classification (germline): Uncertain significance. Review status: criteria provided, multiple submitters, no conflicts (2 of 4 stars). 4 submissions from 4 submitters: Uncertain significance (4). Last evaluated 2025-07-18.

Conditions:
Meckel syndrome, type 6. Identifiers: Orphanet 564, MedGen C2676790, MONDO:0012848, OMIM 612284.
Joubert syndrome 9 (JBTS9). Identifiers: Orphanet 2318, MedGen C2676788, MONDO:0012849, OMIM 612285.
COACH syndrome 2. Identifiers: MedGen C5436837, MONDO:0030859, OMIM 619111.
Retinitis pigmentosa 93. Identifiers: MedGen C5676970, MONDO:0030797, OMIM 619845.
Inborn genetic diseases. Identifiers: MedGen C0950123, MeSH D030342.
Meckel-Gruber syndrome. Also called: DYSENCEPHALIA SPLANCHNOCYSTICA; GRUBER SYNDROME; Dysencephalia splachnocystica. Identifiers: Orphanet 564, MedGen C0265215, MONDO:0018921.
Joubert syndrome. Also called: Familial aplasia of the vermis; JOUBERT-BOLTSHAUSER SYNDROME. Identifiers: Orphanet 475, MedGen C5979921, MONDO:0018772.

Allele frequency attached by ClinVar (database versions not stated): gnomAD 0.00001; TOPMed 0.00002.
gnomAD v4.1: 31 of 1,613,716 alleles (0.0019%); highest among the groups gnomAD compares: African/African-American, 0.0027%; no homozygotes.

Submissions (4):

Ambry Genetics
Classification: Uncertain significance for Inborn genetic diseases. Last evaluated: 2025-07-18. Review status: criteria provided, single submitter. Criteria: Ambry Variant Classification Scheme 2023. Collection method: clinical testing. Allele origin: germline.

Fulgent Genetics
Classification: Uncertain significance for Meckel syndrome, type 6; Joubert syndrome 9; COACH syndrome 2; Retinitis pigmentosa 93. Last evaluated: 2021-10-07. Review status: criteria provided, single submitter. Criteria: ACMG Guidelines, 2015. Collection method: clinical testing. Allele origin: unknown.

Labcorp Genetics (formerly Invitae), Labcorp
Classification: Uncertain significance for Joubert syndrome; Meckel-Gruber syndrome. Last evaluated: 2021-08-26. Review status: criteria provided, single submitter. Criteria: Invitae Variant Classification Sherloc (09022015). Collection method: clinical testing. Allele origin: germline.
Comment: This sequence change replaces arginine with tryptophan at codon 278 of the CC2D2A protein (p.Arg278Trp). The arginine residue is weakly conserved and there is a moderate physicochemical difference between arginine and tryptophan. This variant is present in population databases (rs372873919, ExAC 0.01%). This variant has not been reported in the literature in individuals affected with CC2D2A-related conditions. ClinVar contains an entry for this variant (Variation ID: 193620). Algorithms developed to predict the effect of missense changes on protein structure and function output the following: SIFT: "Deleterious"; PolyPhen-2: "Benign"; Align-GVGD: "Class C0". The tryptophan amino acid residue is found in multiple mammalian species, which suggests that this missense change does not adversely affect protein function. In summary, the available evidence is currently insufficient to determine the role of this variant in disease. Therefore, it has been classified as a Variant of Uncertain Significance.

Eurofins Ntd Llc (ga)
Classification: Uncertain significance. Last evaluated: 2018-02-21. Review status: criteria provided, single submitter. Criteria: EGL ClinVar v180209 classification definitions. Collection method: clinical testing. Allele origin: germline. Observed: 2 variant alleles, 2 heterozygotes.